The following is an entry in ClinVar:

ClinVar aggregate classification (germline): Likely benign (1 of 4 stars; one submission).

Conditions:
MC4R-related disorder. Also called: MC4R-related condition.

gnomAD v4.1: 3 of 1,580,742 alleles (0.00019%); highest among the groups gnomAD compares: African/African-American, 0.004%; no homozygotes.

Submission:

PreventionGenetics, part of Exact Sciences
Classification: Likely benign for MC4R-related condition. Last evaluated: 2026-06-08. Review status: criteria provided, single submitter. Criteria: ACMG Guidelines, 2015. Collection method: clinical testing. Allele origin: germline.
Comment: This variant is classified as likely benign based on ACMG/AMP sequence variant interpretation guidelines (Richards et al. 2015 PMID: 25741868, with internal and published modifications).

NM_005912.3(MC4R):c.-59G>T

Gene: MC4R (melanocortin 4 receptor; minus strand). Cytogenetic location: 18q21.32.
Variant type: single nucleotide variant.
Coding change: c.-59G>T on transcript NM_005912.3 (MANE Select); 59 bases upstream of the start codon, G replaced by T.
Molecular consequence: 5 prime UTR variant.
Genome position (GRCh38, 1-based): chr18:60,372,408, C>A on the plus strand (G>T on the coding strand, the complement: MC4R is on the minus strand). VCF-style: chr18-60372408-C-A. GRCh37 (hg19) VCF-style: chr18-58039641-C-A.
Identifiers: ClinVar variation 4981816 (VCV004981816.1).